The following is an entry in ClinVar:

NM_024306.5(FA2H):c.35C>T (p.Ser12Leu)

Genes: FA2H (fatty acid 2-hydroxylase; minus strand), LOC130059394 (ATAC-STARR-seq lymphoblastoid silent region 7701; plus strand). Cytogenetic location: 16q23.1.
Variant type: single nucleotide variant.
Coding change: c.35C>T on transcript NM_024306.5 (MANE Select); coding-DNA position 35, C replaced by T.
Protein change: p.Ser12Leu; replaces serine 12 with leucine.
Molecular consequence: missense variant.
Genome position (GRCh38, 1-based): chr16:74,774,721, G>A on the plus strand (C>T on the coding strand, the complement: FA2H is on the minus strand). VCF-style: chr16-74774721-G-A. GRCh37 (hg19) VCF-style: chr16-74808619-G-A.
Other names: short protein forms S12L.
Identifiers: ClinVar variation 585853 (VCV000585853.7), dbSNP rs1245153953, ClinGen allele CA396768548.

ClinVar aggregate classification (germline): Uncertain significance. Review status: criteria provided, multiple submitters, no conflicts (2 of 4 stars). 3 submissions from 3 submitters: Uncertain significance (3). Last evaluated 2025-02-19.

Conditions:
Spastic paraplegia. Identifiers: MedGen C0037772, HP:0001258.
Inborn genetic diseases. Identifiers: MedGen C0950123, MeSH D030342.

Allele frequency attached by ClinVar (database versions not stated): gnomAD 0.00002; TOPMed 0.00005.

Submissions (3):

Ambry Genetics
Classification: Uncertain significance for Inborn genetic diseases. Last evaluated: 2025-02-19. Review status: criteria provided, single submitter. Criteria: Ambry Variant Classification Scheme 2023. Collection method: clinical testing. Allele origin: germline.

Labcorp Genetics (formerly Invitae), Labcorp
Classification: Uncertain significance for Spastic paraplegia. Last evaluated: 2023-08-04. Review status: criteria provided, single submitter. Criteria: Invitae Variant Classification Sherloc (09022015). Collection method: clinical testing. Allele origin: germline.
Comment: Advanced modeling of protein sequence and biophysical properties (such as structural, functional, and spatial information, amino acid conservation, physicochemical variation, residue mobility, and thermodynamic stability) performed at Invitae indicates that this missense variant is not expected to disrupt FA2H protein function. In summary, the available evidence is currently insufficient to determine the role of this variant in disease. Therefore, it has been classified as a Variant of Uncertain Significance. ClinVar contains an entry for this variant (Variation ID: 585853). This variant has not been reported in the literature in individuals affected with FA2H-related conditions. This variant is not present in population databases (gnomAD no frequency). This sequence change replaces serine, which is neutral and polar, with leucine, which is neutral and non-polar, at codon 12 of the FA2H protein (p.Ser12Leu).

Athena Diagnostics
Classification: Uncertain significance. Last evaluated: 2018-08-08. Review status: criteria provided, single submitter. Criteria: Athena Diagnostics Criteria. Collection method: clinical testing. Allele origin: germline.